The following is an entry in ClinVar:

ClinVar aggregate classification (germline): Benign/Likely benign. Review status: criteria provided, multiple submitters, no conflicts (2 of 4 stars). 6 submissions from 6 submitters: Benign (1); Likely benign (2). 3 of the submissions do not count toward it. Last evaluated 2026-08-01.

Conditions:
KDM6B-related disorder. Also called: KDM6B-related condition.

Allele frequency attached by ClinVar (database versions not stated): ESP Exome Variant Server 0.00136; 1000 Genomes Project 0.00200; 1000 Genomes Project 30x 0.00203; gnomAD 0.00216 and 0.00240; TOPMed 0.00232; gnomAD exomes 0.00395; ExAC 0.00396.
gnomAD v4.1: 4,981 of 1,610,004 alleles (0.31%); highest among the groups gnomAD compares: Middle Eastern, 2.2%; 25 homozygotes.

Submissions (6):

CeGaT Center for Human Genetics Tuebingen
Classification: Benign. Last evaluated: 2026-08-01. Review status: criteria provided, single submitter. Criteria: CeGaT Center For Human Genetics Tuebingen Variant Classification Criteria Version 2. Collection method: clinical testing. Allele origin: germline. Affected: yes. Observed: 34 variant alleles.
Comment: KDM6B: BS1, BS2

Labcorp Genetics (formerly Invitae), Labcorp
Classification: Likely benign. Last evaluated: 2019-12-31. Review status: criteria provided, single submitter. Criteria: Invitae Variant Classification Sherloc (09022015). Collection method: clinical testing. Allele origin: germline.

Breakthrough Genomics
Classification: Likely benign. Review status: criteria provided, single submitter. Criteria: ACMG Guidelines, 2015. Collection method: not provided. Allele origin: germline. Inheritance: Autosomal dominant inheritance. Affected: yes.

PreventionGenetics, part of Exact Sciences
Classification: Benign for KDM6B-related condition. Last evaluated: 2019-06-24. Review status: no assertion criteria provided. Collection method: clinical testing. Allele origin: germline. Not counted in ClinVar's aggregate classification.
Comment: This variant is classified as benign based on ACMG/AMP sequence variant interpretation guidelines (Richards et al. 2015 PMID: 25741868, with internal and published modifications).

Clinical Genetics DNA and cytogenetics Diagnostics Lab, Erasmus MC, Erasmus Medical Center
Classification: Likely benign. Review status: no assertion criteria provided. Collection method: clinical testing. Allele origin: germline. Affected: yes. Study: VKGL Data-share Consensus. Not counted in ClinVar's aggregate classification.

Laboratory of Diagnostic Genome Analysis, Leiden University Medical Center (LUMC)
Classification: Likely benign. Review status: no assertion criteria provided. Collection method: clinical testing. Allele origin: germline. Affected: yes. Study: VKGL Data-share Consensus. Not counted in ClinVar's aggregate classification.

NM_001348716.2(KDM6B):c.1925C>T (p.Pro642Leu)

Gene: KDM6B (lysine demethylase 6B; plus strand). Cytogenetic location: 17p13.1.
Variant type: single nucleotide variant.
Coding change: c.1925C>T on transcript NM_001348716.2 (MANE Select); coding-DNA position 1925, C replaced by T.
Protein change: p.Pro642Leu; replaces proline 642 with leucine.
Molecular consequence: missense variant.
Genome position (GRCh38, 1-based): chr17:7,848,213, C>T. VCF-style: chr17-7848213-C-T. GRCh37 (hg19) VCF-style: chr17-7751531-C-T.
Other names: c.1925C>T, p.Pro642Leu (NM_001080424.2); short protein forms P642L.
Identifiers: ClinVar variation 712117 (VCV000712117.34), dbSNP rs201403136, ClinGen allele CA8360769.